The following is an entry in ClinVar:

NM_001145715.3(KPNA7):c.776C>T (p.Ser259Leu)

Gene: KPNA7 (karyopherin subunit alpha 7; minus strand). Cytogenetic location: 7q22.1.
Variant type: single nucleotide variant.
Coding change: c.776C>T on transcript NM_001145715.3 (MANE Select); coding-DNA position 776, C replaced by T.
Protein change: p.Ser259Leu; replaces serine 259 with leucine.
Molecular consequence: missense variant.
Genome position (GRCh38, 1-based): chr7:99,188,424, G>A on the plus strand (C>T on the coding strand, the complement: KPNA7 is on the minus strand). VCF-style: chr7-99188424-G-A. GRCh37 (hg19) VCF-style: chr7-98786047-G-A.
Other names: short protein forms S259L.
Identifiers: ClinVar variation 951817 (VCV000951817.8), dbSNP rs979406068, ClinGen allele CA163745799.

ClinVar aggregate classification (germline): Uncertain significance. Review status: criteria provided, multiple submitters, no conflicts (2 of 4 stars). 2 submissions from 2 submitters: Uncertain significance (2). Last evaluated 2025-08-08.

Allele frequency attached by ClinVar (database versions not stated): gnomAD exomes 0.00003.
gnomAD v4.1: 23 of 1,551,544 alleles (0.0015%); highest among the groups gnomAD compares: Admixed American, 0.029%; no homozygotes.

Submissions (2):

Ambry Genetics
Classification: Uncertain significance. Last evaluated: 2025-08-08. Review status: criteria provided, single submitter. Criteria: Ambry Variant Classification Scheme 2023. Collection method: clinical testing. Allele origin: germline.

Labcorp Genetics (formerly Invitae), Labcorp
Classification: Uncertain significance. Last evaluated: 2022-03-10. Review status: criteria provided, single submitter. Criteria: Invitae Variant Classification Sherloc (09022015). Collection method: clinical testing. Allele origin: germline.
Comment: This sequence change replaces serine, which is neutral and polar, with leucine, which is neutral and non-polar, at codon 259 of the KPNA7 protein (p.Ser259Leu). This variant is present in population databases (no rsID available, gnomAD 0.01%). This variant has not been reported in the literature in individuals affected with KPNA7-related conditions. ClinVar contains an entry for this variant (Variation ID: 951817). Algorithms developed to predict the effect of missense changes on protein structure and function are either unavailable or do not agree on the potential impact of this missense change (SIFT: "Tolerated"; PolyPhen-2: "Possibly Damaging"; Align-GVGD: "Class C0"). In summary, the available evidence is currently insufficient to determine the role of this variant in disease. Therefore, it has been classified as a Variant of Uncertain Significance.